The following is an entry in ClinVar:

ClinVar aggregate classification (germline): Likely benign. Review status: criteria provided, multiple submitters, no conflicts (2 of 4 stars). 2 submissions from 2 submitters: Likely benign (2). Last evaluated 2024-05-01.

Conditions:
Primary dilated cardiomyopathy (DCM). Also called: Dilated Cardiomyopathy. Identifiers: Orphanet 217604, MedGen C0007193, MeSH D002311, MONDO:0005021, HP:0001644. Inheritance: Various modes of inheritance.
Charcot-Marie-Tooth disease type 2. Also called: Charcot-Marie-Tooth type 2. Identifiers: Orphanet 64746, MedGen C0270914, MONDO:0018993.

Allele frequency attached by ClinVar (database versions not stated): TOPMed below 0.00001; gnomAD exomes below 0.00001.
gnomAD v4.1: 2 of 1,614,156 alleles (0.00012%); highest among the groups gnomAD compares: Non-Finnish European, 0.00017%; no homozygotes.

Submissions (2):

Labcorp Genetics (formerly Invitae), Labcorp
Classification: Likely benign for Charcot-Marie-Tooth disease type 2. Last evaluated: 2024-05-01. Review status: criteria provided, single submitter. Criteria: Invitae Variant Classification Sherloc (09022015). Collection method: clinical testing. Allele origin: germline.

All of Us Research Program, National Institutes of Health
Classification: Likely benign for Primary dilated cardiomyopathy. Last evaluated: 2023-04-10. Review status: criteria provided, single submitter. Criteria: ACMG Guidelines, 2015. Collection method: clinical testing. Allele origin: germline. Inheritance: Autosomal dominant inheritance. Observed: 1 variant allele, 1 heterozygote.
Comment: This study involves interpretation of variants in research participants for the purpose of population health screening. Participant phenotype was not available at the time of variant classification. Additional details can be found in publication PMID: 35346344, PMCID: PMC8962531

NM_170707.4(LMNA):c.615C>T (p.Asp205=)

Gene: LMNA (lamin A/C; plus strand). Cytogenetic location: 1q22.
Variant type: single nucleotide variant.
Coding change: c.615C>T on transcript NM_170707.4 (MANE Select); coding-DNA position 615, C replaced by T.
Protein change: p.Asp205=; no amino-acid change (aspartic acid 205 retained).
Molecular consequence: synonymous variant. On other transcripts: 5 prime UTR variant (4).
Genome position (GRCh38, 1-based): chr1:156,134,504, C>T. VCF-style: chr1-156134504-C-T. GRCh37 (hg19) VCF-style: chr1-156104295-C-T.
Other names: c.615C>T, p.Asp205= (NM_001406983.1, NM_001406984.1, NM_001406985.1 and 6 more transcripts); c.372C>T, p.Asp124= (NM_001406986.1, NM_001406987.1, NM_001282624.2); c.318C>T, p.Asp106= (NM_001406988.1); c.279C>T, p.Asp93= (NM_001406989.1, NM_001406998.1, NM_001257374.3); c.57C>T, p.Asp19= (NM_001406990.1, NM_001406993.1, NM_001406995.1 and 4 more transcripts); c.-50C>T (NM_001406994.1, NM_001406999.1, NM_001407000.1 and 1 more transcripts).
Identifiers: ClinVar variation 3017439 (VCV003017439.4), dbSNP rs1651353830, ClinGen allele CA421257691.
Genomic context (GRCh38, chr1:156,134,504, plus strand): 5'-TGAGATGCTGCGGCGGGTGGATGCTGAGAACAGGCTGCAGACCATGAAGGAGGAACTGGA[C>T]TTCCAGAAGAACATCTACAGTGAGGTGGGGACTGTGCTTTGCAAGCCAGAGGGCTGGGGC-3'
Protein context (NP_733821.1, residues 195-215): NRLQTMKEEL[Asp205=]FQKNIYSEEL